The following is an entry in ClinVar:

NM_020442.6(VARS2):c.*6C>T

Gene: VARS2 (valyl-tRNA synthetase 2, mitochondrial; plus strand). Cytogenetic location: 6p21.33.
Variant type: single nucleotide variant.
Coding change: c.*6C>T on transcript NM_020442.6 (MANE Select); 6 bases downstream of the stop codon, C replaced by T.
Molecular consequence: 3 prime UTR variant.
Genome position (GRCh38, 1-based): chr6:30,926,216, C>T. VCF-style: chr6-30926216-C-T. GRCh37 (hg19) VCF-style: chr6-30893993-C-T.
Other names: c.*6C>T (NM_001167733.3, NM_001167734.2).
Identifiers: ClinVar variation 3063837 (VCV003063837.1), dbSNP rs1200756189, ClinGen allele CA566687754.

ClinVar aggregate classification (germline): Uncertain significance (1 of 4 stars; one submission).

Allele frequency attached by ClinVar (database versions not stated): gnomAD exomes below 0.00001.
gnomAD v4.1: 2 of 1,612,872 alleles (0.00012%); highest among the groups gnomAD compares: Admixed American, 0.0033%; no homozygotes.

Submission:

Women's Health and Genetics/Laboratory Corporation of America, LabCorp
Classification: Uncertain significance. Last evaluated: 2024-01-10. Review status: criteria provided, single submitter. Criteria: LabCorp Variant Classification Summary - May 2015. Collection method: clinical testing. Allele origin: germline.
Comment: Variant summary: VARS2 c.*6C>T is located in the untranslated mRNA region downstream of the termination codon. The variant allele was found at a frequency of 8.1e-06 in 246248 control chromosomes (gnomAD). The available data on variant occurrences in the general population are insufficient to allow any conclusion about variant significance. To our knowledge, no occurrence of c.*6C>T in individuals affected with Combined Oxidative Phosphorylation Defect Type 20 and no experimental evidence demonstrating its impact on protein function have been reported. No submitters have cited clinical-significance assessments for this variant to ClinVar. Based on the evidence outlined above, the variant was classified as uncertain significance.